The following is an entry in ClinVar:

NM_198428.3(BBS9):c.1361A>G (p.Lys454Arg)

Gene: BBS9 (Bardet-Biedl syndrome 9; plus strand). Cytogenetic location: 7p14.3.
Variant type: single nucleotide variant.
Coding change: c.1361A>G on transcript NM_198428.3 (MANE Select); coding-DNA position 1361, A replaced by G.
Protein change: p.Lys454Arg; replaces lysine 454 with arginine.
Molecular consequence: missense variant. On other transcripts: non-coding transcript variant (3).
Genome position (GRCh38, 1-based): chr7:33,349,099, A>G. VCF-style: chr7-33349099-A-G. GRCh37 (hg19) VCF-style: chr7-33388711-A-G.
Other names: c.1361A>G, p.Lys454Arg (NM_001033604.2, NM_001033605.2, NM_001348036.1 and 5 more transcripts); c.995A>G, p.Lys332Arg (NM_001348037.3, NM_001348044.3, NM_001348045.3 and 1 more transcripts); c.1226A>G, p.Lys409Arg (NM_001348042.3); c.1088A>G, p.Lys363Arg (NM_001348038.3, NM_001348039.3); short protein forms K332R, K363R, K409R, K454R.
Identifiers: ClinVar variation 1021111 (VCV001021111.6), dbSNP rs370631861, ClinGen allele CA4214290.

ClinVar aggregate classification (germline): Uncertain significance (1 of 4 stars; one submission).

Conditions:
Bardet-Biedl syndrome (BBS). Identifiers: Orphanet 110, MedGen C0752166, MONDO:0015229.

Allele frequency attached by ClinVar (database versions not stated): gnomAD exomes below 0.00001; ExAC 0.00001; gnomAD 0.00001; TOPMed 0.00002; ESP Exome Variant Server 0.00008.
gnomAD v4.1: 5 of 1,612,962 alleles (0.00031%); highest among the groups gnomAD compares: Non-Finnish European, 0.00042%; no homozygotes.

Submission:

Labcorp Genetics (formerly Invitae), Labcorp
Classification: Uncertain significance for Bardet-Biedl syndrome. Last evaluated: 2021-08-30. Review status: criteria provided, single submitter. Criteria: Invitae Variant Classification Sherloc (09022015). Collection method: clinical testing. Allele origin: germline.
Comment: This sequence change replaces lysine with arginine at codon 454 of the BBS9 protein (p.Lys454Arg). The lysine residue is highly conserved and there is a small physicochemical difference between lysine and arginine. This variant is present in population databases (rs370631861, ExAC 0.001%). This variant has not been reported in the literature in individuals affected with BBS9-related conditions. Algorithms developed to predict the effect of missense changes on protein structure and function (SIFT, PolyPhen-2, Align-GVGD) all suggest that this variant is likely to be disruptive. In summary, the available evidence is currently insufficient to determine the role of this variant in disease. Therefore, it has been classified as a Variant of Uncertain Significance.